The following is an entry in ClinVar:

NM_001321759.2(CDIN1):c.185C>T (p.Ser62Leu)

Gene: CDIN1 (CDAN1 interacting nuclease 1; plus strand). Cytogenetic location: 15q14.
Variant type: single nucleotide variant.
Coding change: c.185C>T on transcript NM_001321759.2 (MANE Select); coding-DNA position 185, C replaced by T.
Protein change: p.Ser62Leu; replaces serine 62 with leucine.
Molecular consequence: missense variant. On other transcripts: 5 prime UTR variant (4), intron variant (1).
Genome position (GRCh38, 1-based): chr15:36,645,260, C>T. VCF-style: chr15-36645260-C-T. GRCh37 (hg19) VCF-style: chr15-36937461-C-T.
Other names: c.185C>T, p.Ser62Leu (NM_001130010.3, NM_001290233.2, NM_001321760.2 and 1 more transcripts); c.-110C>T (NM_001290232.2, NM_001321756.2, NM_032499.6); c.-219C>T (NM_001321757.2); c.102-8838C>T (NM_001321758.2); short protein forms S62L.
Identifiers: ClinVar variation 710471 (VCV000710471.16), dbSNP rs139465273, ClinGen allele CA7468750.
Genomic context (GRCh38, chr15:36,645,260, plus strand): 5'-TGTTGTTGTTTTTTTTCTTTCAGAAACACATTAAAAGAACACATGCCAAACATCATACTT[C>T]GGAAGCAATTGAAAGTTATTACCAGAGGTATGACCTTCCTGCCCCACTAGAGGGTATCAT-3'
Protein context (NP_001308688.1, residues 52-72): IKRTHAKHHT[Ser62Leu]EAIESYYQRY

ClinVar aggregate classification (germline): Likely benign. Review status: criteria provided, multiple submitters, no conflicts (2 of 4 stars). 4 submissions from 4 submitters: Likely benign (3). 1 of the submissions does not count toward it. Last evaluated 2026-01-31.

Conditions:
CDIN1-related disorder. Also called: CDIN1-related condition.

Allele frequency attached by ClinVar (database versions not stated): 1000 Genomes Project 30x 0.00078; 1000 Genomes Project 0.00080; gnomAD exomes 0.00214; TOPMed 0.00227; ExAC 0.00232; gnomAD 0.00233 and 0.00248; ESP Exome Variant Server 0.00308.
gnomAD v4.1: 5,981 of 1,553,158 alleles (0.39%); highest among the groups gnomAD compares: Non-Finnish European, 0.49%; 14 homozygotes.

Submissions (4):

Labcorp Genetics (formerly Invitae), Labcorp
Classification: Likely benign. Last evaluated: 2026-01-31. Review status: criteria provided, single submitter. Criteria: Invitae Variant Classification Sherloc (09022015). Collection method: clinical testing. Allele origin: germline.

Blueprint Genetics
Classification: Likely benign. Last evaluated: 2024-11-25. Review status: criteria provided, single submitter. Criteria: ACMG Guidelines, 2015. Collection method: clinical testing. Allele origin: germline.

GeneDx
Classification: Likely benign. Last evaluated: 2022-11-23. Review status: criteria provided, single submitter. Criteria: GeneDx Variant Classification Process June 2021. Collection method: clinical testing. Allele origin: germline. Affected: yes.
Comment: Has not been previously published as pathogenic or benign to our knowledge; In silico analysis supports that this missense variant does not alter protein structure/function

PreventionGenetics, part of Exact Sciences
Classification: Likely benign for CDIN1-related condition. Last evaluated: 2022-09-21. Review status: no assertion criteria provided. Collection method: clinical testing. Allele origin: germline. Not counted in ClinVar's aggregate classification.
Comment: This variant is classified as likely benign based on ACMG/AMP sequence variant interpretation guidelines (Richards et al. 2015 PMID: 25741868, with internal and published modifications).